The following is an entry in ClinVar:

NM_001166160.2(PPP1R9A):c.4035A>G (p.Leu1345=)

Gene: PPP1R9A (protein phosphatase 1 regulatory subunit 9A; plus strand). Cytogenetic location: 7q21.3.
Variant type: single nucleotide variant.
Coding change: c.4035A>G on transcript NM_001166160.2 (MANE Select); coding-DNA position 4035, A replaced by G.
Protein change: p.Leu1345=; no amino-acid change (leucine 1345 retained).
Molecular consequence: synonymous variant.
Genome position (GRCh38, 1-based): chr7:95,290,213, A>G. VCF-style: chr7-95290213-A-G. GRCh37 (hg19) VCF-style: chr7-94919525-A-G.
Other names: c.3801A>G, p.Leu1267= (NM_001166161.1); c.3672A>G, p.Leu1224= (NM_001166162.1); c.3183A>G, p.Leu1061= (NM_001166163.1); c.3207A>G, p.Leu1069= (NM_017650.3).
Identifiers: ClinVar variation 3060071 (VCV003060071.2), dbSNP rs61749906, ClinGen allele CA4350081.

ClinVar aggregate classification (germline): Benign (0 of 4 stars; one submission).

Conditions:
PPP1R9A-related disorder. Also called: PPP1R9A-related condition.

Allele frequency attached by ClinVar (database versions not stated): gnomAD exomes 0.06652; ESP Exome Variant Server 0.07089; gnomAD 0.07942; TOPMed 0.08310; ExAC 0.08866; 1000 Genomes Project 0.10982; 1000 Genomes Project 30x 0.11212.
gnomAD v4.1: 109,496 of 1,613,520 alleles (6.8%); highest among the groups gnomAD compares: Admixed American, 17%; 4,547 homozygotes.

Submission:

PreventionGenetics, part of Exact Sciences
Classification: Benign for PPP1R9A-related condition. Last evaluated: 2019-10-28. Review status: no assertion criteria provided. Collection method: clinical testing. Allele origin: germline.
Comment: This variant is classified as benign based on ACMG/AMP sequence variant interpretation guidelines (Richards et al. 2015 PMID: 25741868, with internal and published modifications).